The following is an entry in ClinVar:

ClinVar aggregate classification (germline): Uncertain significance (1 of 4 stars; one submission).

Conditions:
Periodic fever-infantile enterocolitis-autoinflammatory syndrome. Also called: Autoinflammation with infantile enterocolitis. Identifiers: Orphanet 436166, MedGen C4015067, MONDO:0014472, OMIM 616050.
Familial cold autoinflammatory syndrome 4 (FCAS4). Identifiers: Orphanet 47045, Orphanet 576349, MedGen C4015276, MONDO:0014498, OMIM 616115.

Submission:

Labcorp Genetics (formerly Invitae), Labcorp
Classification: Uncertain significance for Periodic fever-infantile enterocolitis-autoinflammatory syndrome; Familial cold autoinflammatory syndrome 4. Last evaluated: 2023-12-01. Review status: criteria provided, single submitter. Criteria: Invitae Variant Classification Sherloc (09022015). Collection method: clinical testing. Allele origin: germline.
Comment: This sequence change replaces glycine, which is neutral and non-polar, with aspartic acid, which is acidic and polar, at codon 172 of the NLRC4 protein (p.Gly172Asp). This variant is not present in population databases (gnomAD no frequency). This variant has not been reported in the literature in individuals affected with NLRC4-related conditions. Advanced modeling of protein sequence and biophysical properties (such as structural, functional, and spatial information, amino acid conservation, physicochemical variation, residue mobility, and thermodynamic stability) performed at Invitae indicates that this missense variant is expected to disrupt NLRC4 protein function with a positive predictive value of 80%. In summary, the available evidence is currently insufficient to determine the role of this variant in disease. Therefore, it has been classified as a Variant of Uncertain Significance.

NM_001199138.2(NLRC4):c.515G>A (p.Gly172Asp)

Gene: NLRC4 (NLR family CARD domain containing 4; minus strand). Cytogenetic location: 2p22.3.
Variant type: single nucleotide variant.
Coding change: c.515G>A on transcript NM_001199138.2 (MANE Select); coding-DNA position 515, G replaced by A.
Protein change: p.Gly172Asp; replaces glycine 172 with aspartic acid.
Molecular consequence: missense variant. On other transcripts: intron variant (1).
Genome position (GRCh38, 1-based): chr2:32,251,349, C>T on the plus strand (G>A on the coding strand, the complement: NLRC4 is on the minus strand). VCF-style: chr2-32251349-C-T. GRCh37 (hg19) VCF-style: chr2-32476418-C-T.
Other names: c.515G>A, p.Gly172Asp (NM_001199139.2, NM_021209.5); c.262+1070G>A (NM_001302504.1); short protein forms G172D.
Identifiers: ClinVar variation 2954342 (VCV002954342.3), dbSNP rs2466763616, ClinGen allele CA346515762.